The following is an entry in ClinVar:

ClinVar aggregate classification (germline): Uncertain significance. Review status: criteria provided, multiple submitters, no conflicts (2 of 4 stars). 2 submissions from 2 submitters: Uncertain significance (2). Last evaluated 2025-11-13.

Conditions:
Seizures, benign familial infantile, 3 (BFIS3). Also called: CONVULSIONS, BENIGN FAMILIAL INFANTILE, 3; Familial neonatal seizures. Identifiers: Orphanet 140927, Orphanet 306, MedGen C1843140, MONDO:0011904, OMIM 607745.
Developmental and epileptic encephalopathy, 11 (DEE11). Also called: Early infantile epileptic encephalopathy 11. Identifiers: Orphanet 1934, MedGen C3150987, MONDO:0013388, OMIM 613721.

Allele frequency attached by ClinVar (database versions not stated): gnomAD exomes below 0.00001; TOPMed 0.00001.
gnomAD v4.1: 2 of 1,612,980 alleles (0.00012%); highest among the groups gnomAD compares: Admixed American, 0.0033%; no homozygotes.

Submissions (2):

GeneDx
Classification: Uncertain significance. Last evaluated: 2025-11-13. Review status: criteria provided, single submitter. Criteria: GeneDx Variant Classification Process June 2021. Collection method: clinical testing. Allele origin: germline.
Comment: Not observed at significant frequency in large population cohorts (gnomAD); In silico analysis supports that this missense variant has a deleterious effect on protein structure/function; Has not been previously published as pathogenic or benign to our knowledge; This substitution is predicted to be within the intracellular loop between the S2 and S3 transmembrane segments of the first homologous domain

Labcorp Genetics (formerly Invitae), Labcorp
Classification: Uncertain significance for Seizures, benign familial infantile, 3; Developmental and epileptic encephalopathy, 11. Last evaluated: 2024-06-24. Review status: criteria provided, single submitter. Criteria: Invitae Variant Classification Sherloc (09022015). Collection method: clinical testing. Allele origin: germline.
Comment: This sequence change replaces leucine, which is neutral and non-polar, with serine, which is neutral and polar, at codon 181 of the SCN2A protein (p.Leu181Ser). This variant is present in population databases (no rsID available, gnomAD 0.003%). This variant has not been reported in the literature in individuals affected with SCN2A-related conditions. ClinVar contains an entry for this variant (Variation ID: 2580663). Advanced modeling of protein sequence and biophysical properties (such as structural, functional, and spatial information, amino acid conservation, physicochemical variation, residue mobility, and thermodynamic stability) performed at Invitae indicates that this missense variant is expected to disrupt SCN2A protein function with a positive predictive value of 95%. In summary, the available evidence is currently insufficient to determine the role of this variant in disease. Therefore, it has been classified as a Variant of Uncertain Significance.

NM_001040142.2(SCN2A):c.542T>C (p.Leu181Ser)

Gene: SCN2A (sodium voltage-gated channel alpha subunit 2; plus strand). Cytogenetic location: 2q24.3.
Variant type: single nucleotide variant.
Coding change: c.542T>C on transcript NM_001040142.2 (MANE Select); coding-DNA position 542, T replaced by C.
Protein change: p.Leu181Ser; replaces leucine 181 with serine.
Molecular consequence: missense variant.
Genome position (GRCh38, 1-based): chr2:165,308,731, T>C. VCF-style: chr2-165308731-T-C. GRCh37 (hg19) VCF-style: chr2-166165241-T-C.
Other names: c.542T>C, p.Leu181Ser (NM_001040143.2, NM_001371246.1, NM_001371247.1 and 1 more transcripts); short protein forms L181S.
Identifiers: ClinVar variation 2580663 (VCV002580663.4), dbSNP rs1309809695, ClinGen allele CA349016408.